The following is an entry in ClinVar:

ClinVar aggregate classification (germline): Uncertain significance. Review status: criteria provided, multiple submitters, no conflicts (2 of 4 stars). 2 submissions from 2 submitters: Uncertain significance (2). Last evaluated 2024-05-27.

Conditions:
Inborn genetic diseases. Identifiers: MedGen C0950123, MeSH D030342.
Autosomal dominant childhood-onset proximal spinal muscular atrophy with contractures (SMALED2A). Also called: SPINAL MUSCULAR ATROPHY, LOWER EXTREMITY-PREDOMINANT, 2A, CHILDHOOD ONSET, AUTOSOMAL DOMINANT; Spinal muscular atrophy, lower extremity-predominant, 2A, autosomal dominant. Identifiers: Orphanet 363447, Orphanet 363454, MedGen C4747715, MONDO:0014121, OMIM 615290.

Allele frequency attached by ClinVar (database versions not stated): TOPMed 0.00001.
gnomAD v4.1: 1 of 1,601,732 alleles (0.000062%); highest among the groups gnomAD compares: Non-Finnish European, 0.000085%; no homozygotes.

Submissions (2):

Labcorp Genetics (formerly Invitae), Labcorp
Classification: Uncertain significance for Autosomal dominant childhood-onset proximal spinal muscular atrophy with contractures. Last evaluated: 2024-05-27. Review status: criteria provided, single submitter. Criteria: Invitae Variant Classification Sherloc (09022015). Collection method: clinical testing. Allele origin: germline.
Comment: This sequence change replaces lysine, which is basic and polar, with glutamine, which is neutral and polar, at codon 849 of the BICD2 protein (p.Lys849Gln). This variant is not present in population databases (gnomAD no frequency). This variant has not been reported in the literature in individuals affected with BICD2-related conditions. ClinVar contains an entry for this variant (Variation ID: 1497175). Advanced modeling of protein sequence and biophysical properties (such as structural, functional, and spatial information, amino acid conservation, physicochemical variation, residue mobility, and thermodynamic stability) has been performed at Invitae for this missense variant, however the output from this modeling did not meet the statistical confidence thresholds required to predict the impact of this variant on BICD2 protein function. In summary, the available evidence is currently insufficient to determine the role of this variant in disease. Therefore, it has been classified as a Variant of Uncertain Significance.

Ambry Genetics
Classification: Uncertain significance for Inborn genetic diseases. Last evaluated: 2023-04-10. Review status: criteria provided, single submitter. Criteria: Ambry Variant Classification Scheme 2023. Collection method: clinical testing. Allele origin: germline.

NM_001003800.2(BICD2):c.2545A>C (p.Lys849Gln)

Gene: BICD2 (BICD cargo adaptor 2; minus strand). Cytogenetic location: 9q22.31.
Variant type: single nucleotide variant.
Coding change: c.2545A>C on transcript NM_001003800.2 (MANE Select); coding-DNA position 2545, A replaced by C.
Protein change: p.Lys849Gln; replaces lysine 849 with glutamine.
Molecular consequence: missense variant. On other transcripts: intron variant (1).
Genome position (GRCh38, 1-based): chr9:92,715,177, T>G on the plus strand (A>C on the coding strand, the complement: BICD2 is on the minus strand). VCF-style: chr9-92715177-T-G. GRCh37 (hg19) VCF-style: chr9-95477459-T-G.
Other names: c.2469+76A>C (NM_015250.4); c.2545A>C (NM_001003800.1); short protein forms K849Q.
Identifiers: ClinVar variation 1497175 (VCV001497175.8), dbSNP rs1412613776, ClinGen allele CA374029164.